The following is an entry in ClinVar:

NC_000004.12:g.43030359AG[2]

Gene: GRXCR1 (glutaredoxin and cysteine rich domain containing 1; plus strand). Cytogenetic location: 4p13.
Variant type: Microsatellite.
Genome position: GRCh38 VCF-style: chr4-43030358-CAG-C. GRCh37 (hg19) VCF-style: chr4-43032375-CAG-C.
Identifiers: ClinVar variation 1456962 (VCV001456962.6), dbSNP rs2109812419, ClinGen allele CA2580616094.
Genomic context (GRCh38, chr4:43,030,358, plus strand): 5'-TGATTGAGTTGTTCATGCTAACACATCCTCTGTTTTCTCTTGTTCCCCTGCCACCTTATA[CAG>C]AGAGTACAGCATCCACATGAGTGTCCCTCTTGTGGAGGCTTTGGCTTTCTTCCATGCTCC-3'

ClinVar aggregate classification (germline): Pathogenic (1 of 4 stars; one submission).

Submission:

Labcorp Genetics (formerly Invitae), Labcorp
Classification: Pathogenic. Last evaluated: 2022-11-15. Review status: criteria provided, single submitter. Criteria: Invitae Variant Classification Sherloc (09022015). Collection method: clinical testing. Allele origin: germline.
Comment: This sequence change creates a premature translational stop signal (p.Arg232Serfs*6) in the GRXCR1 gene. While this is not anticipated to result in nonsense mediated decay, it is expected to disrupt the last 59 amino acid(s) of the GRXCR1 protein. This variant is not present in population databases (gnomAD no frequency). This variant has not been reported in the literature in individuals affected with GRXCR1-related conditions. Experimental studies and prediction algorithms are not available or were not evaluated, and the functional significance of this variant is currently unknown. Algorithms developed to predict the effect of sequence changes on RNA splicing suggest that this variant may disrupt the consensus splice site. This variant disrupts a region of the GRXCR1 protein in which other variant(s) (p.Arg262*) have been determined to be pathogenic (PMID: 25802247, 31389194). This suggests that this is a clinically significant region of the protein, and that variants that disrupt it are likely to be disease-causing. For these reasons, this variant has been classified as Pathogenic.

Literature cited by the submitters: PubMed 25802247; PubMed 31389194.